The following is an entry in ClinVar:

ClinVar aggregate classification (germline): Uncertain significance. Review status: criteria provided, multiple submitters, no conflicts (2 of 4 stars). 3 submissions from 3 submitters: Uncertain significance (3). Last evaluated 2025-08-06.

Conditions:
Cardiovascular phenotype. Identifiers: MedGen CN230736.
Catecholaminergic polymorphic ventricular tachycardia (CVPT). Also called: Catecholamine-induced polymorphic ventricular tachycardia. Identifiers: Orphanet 3286, MedGen C5574922, MONDO:0017990.

Allele frequency attached by ClinVar (database versions not stated): ExAC 0.00001; gnomAD exomes below 0.00001.
gnomAD v4.1: 1 of 1,610,764 alleles (0.000062%); highest among the groups gnomAD compares: Admixed American, 0.0017%; no homozygotes.

Submissions (3):

GeneDx
Classification: Uncertain significance. Last evaluated: 2025-08-06. Review status: criteria provided, single submitter. Criteria: GeneDx Variant Classification Process June 2021. Collection method: clinical testing. Allele origin: germline. Affected: yes.
Comment: Not observed at significant frequency in large population cohorts (gnomAD); In silico analysis supports that this missense variant has a deleterious effect on protein structure/function; Has not been previously published as pathogenic or benign to our knowledge; Not located in one of the three hot-spot regions of the RYR2 gene, where the majority of pathogenic missense variants occur (PMID: 19926015); This variant is associated with the following publications: (PMID: 19926015)

Ambry Genetics
Classification: Uncertain significance for Cardiovascular phenotype. Last evaluated: 2024-10-08. Review status: criteria provided, single submitter. Criteria: Ambry Variant Classification Scheme 2023. Collection method: clinical testing. Allele origin: germline.
Comment: The p.V741A variant (also known as c.2222T>C), located in coding exon 21 of the RYR2 gene, results from a T to C substitution at nucleotide position 2222. The valine at codon 741 is replaced by alanine, an amino acid with similar properties. This amino acid position is highly conserved in available vertebrate species. In addition, the in silico prediction for this alteration is inconclusive. Based on the available evidence, the clinical significance of this variant remains unclear.

All of Us Research Program, National Institutes of Health
Classification: Uncertain significance for Catecholaminergic polymorphic ventricular tachycardia. Last evaluated: 2023-12-18. Review status: criteria provided, single submitter. Criteria: ACMG Guidelines, 2015. Collection method: clinical testing. Allele origin: germline. Inheritance: Autosomal dominant inheritance. Observed: 1 variant allele, 1 heterozygote.
Comment: This missense variant replaces valine with alanine at codon 741 of the RYR2 protein. Computational prediction suggests that this variant may not impact protein structure and function (internally defined REVEL score threshold <= 0.5, PMID: 27666373). To our knowledge, functional studies have not been reported for this variant. This variant has not been reported in individuals affected with RYR2-related disorders in the literature. This variant has been identified in 1/248704 chromosomes in the general population by the Genome Aggregation Database (gnomAD). The available evidence is insufficient to determine the role of this variant in disease conclusively. Therefore, this variant is classified as a Variant of Uncertain Significance.

This study involves interpretation of variants in research participants for the purpose of population health screening. Participant phenotype was not available at the time of variant classification. Additional details can be found in publication PMID: 35346344, PMCID: PMC8962531

NM_001035.3(RYR2):c.2222T>C (p.Val741Ala)

Gene: RYR2 (ryanodine receptor 2; plus strand). Cytogenetic location: 1q43.
Variant type: single nucleotide variant.
Coding change: c.2222T>C on transcript NM_001035.3 (MANE Select); coding-DNA position 2222, T replaced by C.
Protein change: p.Val741Ala; replaces valine 741 with alanine.
Molecular consequence: missense variant.
Genome position (GRCh38, 1-based): chr1:237,500,729, T>C. VCF-style: chr1-237500729-T-C. GRCh37 (hg19) VCF-style: chr1-237664029-T-C.
Other names: c.2222T>C (NM_001035.2); short protein forms V741A.
Identifiers: ClinVar variation 3075105 (VCV003075105.3), dbSNP rs768486332, ClinGen allele CA085995.